The following is an entry in ClinVar:

NM_001276270.2(MBD4):c.43G>A (p.Gly15Arg)

Genes: MBD4 (methyl-CpG binding domain 4, DNA glycosylase; minus strand), LOC129937550 (ATAC-STARR-seq lymphoblastoid active region 20512; plus strand). Cytogenetic location: 3q21.3.
Variant type: single nucleotide variant.
Coding change: c.43G>A on transcript NM_001276270.2 (MANE Select); coding-DNA position 43, G replaced by A.
Protein change: p.Gly15Arg; replaces glycine 15 with arginine.
Molecular consequence: missense variant.
Genome position (GRCh38, 1-based): chr3:129,439,791, C>T on the plus strand (G>A on the coding strand, the complement: MBD4 is on the minus strand). VCF-style: chr3-129439791-C-T. GRCh37 (hg19) VCF-style: chr3-129158634-C-T.
Other names: c.43G>A, p.Gly15Arg (NM_001276271.2, NM_001276272.2, NM_001276273.2 and 1 more transcripts); short protein forms G15R.
Identifiers: ClinVar variation 3707986 (VCV003707986.3).

ClinVar aggregate classification (germline): Uncertain significance. Review status: criteria provided, multiple submitters, no conflicts (2 of 4 stars). 2 submissions from 2 submitters: Uncertain significance (2). Last evaluated 2025-02-21.

Conditions:
Inborn genetic diseases. Identifiers: MedGen C0950123, MeSH D030342.

gnomAD v4.1: 1 of 1,610,044 alleles (0.000062%); highest among the groups gnomAD compares: Admixed American, 0.0017%; no homozygotes.

Submissions (2):

Ambry Genetics
Classification: Uncertain significance for Inborn genetic diseases. Last evaluated: 2025-02-21. Review status: criteria provided, single submitter. Criteria: Ambry Variant Classification Scheme 2023. Collection method: clinical testing. Allele origin: germline.
Comment: The p.G15R variant (also known as c.43G>A), located in coding exon 1 of the MBD4 gene, results from a G to A substitution at nucleotide position 43. The glycine at codon 15 is replaced by arginine, an amino acid with dissimilar properties. This amino acid position is conserved. In addition, this alteration is predicted to be tolerated by in silico analysis. Based on the available evidence, the clinical significance of this variant remains unclear.

Labcorp Genetics (formerly Invitae), Labcorp
Classification: Uncertain significance. Last evaluated: 2024-07-11. Review status: criteria provided, single submitter. Criteria: Invitae Variant Classification Sherloc (09022015). Collection method: clinical testing. Allele origin: germline.
Comment: This sequence change replaces glycine, which is neutral and non-polar, with arginine, which is basic and polar, at codon 15 of the MBD4 protein (p.Gly15Arg). The frequency data for this variant in the population databases is considered unreliable, as metrics indicate poor data quality at this position in the gnomAD database. This variant has not been reported in the literature in individuals affected with MBD4-related conditions. An algorithm developed to predict the effect of missense changes on protein structure and function outputs the following: PolyPhen-2: "Benign". The arginine amino acid residue is found in multiple mammalian species, which suggests that this missense change does not adversely affect protein function. In summary, the available evidence is currently insufficient to determine the role of this variant in disease. Therefore, it has been classified as a Variant of Uncertain Significance.